The following is an entry in ClinVar:

ClinVar aggregate classification (germline): Uncertain significance. Review status: criteria provided, multiple submitters, no conflicts (2 of 4 stars). 2 submissions from 2 submitters: Uncertain significance (2). Last evaluated 2026-08-07.

Conditions:
Hereditary cancer-predisposing syndrome. Also called: Neoplastic Syndromes, Hereditary; Hereditary Cancer Syndrome; Hereditary neoplastic syndrome; Tumor predisposition. Identifiers: Orphanet 140162, MedGen C0027672, MeSH D009386, MONDO:0015356.
POLD1-related polyposis and colorectal cancer syndrome (CRCS10). Also called: Colorectal cancer 10; COLORECTAL CANCER, SUSCEPTIBILITY TO, ON CHROMOSOME 19q; Colorectal cancer, susceptibility to, 10. Identifiers: Orphanet 220460, MedGen C2675481, MONDO:0012953, OMIM 612591.

Submissions (2):

Ambry Genetics
Classification: Uncertain significance for Hereditary cancer-predisposing syndrome. Last evaluated: 2026-08-07. Review status: criteria provided, single submitter. Criteria: Ambry Variant Classification Scheme 2023. Collection method: clinical testing. Allele origin: germline.
Comment: The p.Q1059* variant (also known as c.3175C>T), located in coding exon 25 of the POLD1 gene, results from a C to T substitution at nucleotide position 3175. This changes the amino acid from a glutamine to a stop codon within coding exon 25. This variant occurs at the 3' terminus of the gene and is not expected to trigger nonsense-mediated mRNA decay. Based on the available evidence, the clinical significance of this variant remains unclear.

Labcorp Genetics (formerly Invitae), Labcorp
Classification: Uncertain significance for POLD1-related polyposis and colorectal cancer syndrome. Last evaluated: 2025-11-04. Review status: criteria provided, single submitter. Criteria: Invitae Variant Classification Sherloc (09022015). Collection method: clinical testing. Allele origin: germline.
Comment: This sequence change creates a premature translational stop signal (p.Gln1059*) in the POLD1 gene. While this is not anticipated to result in nonsense mediated decay, it is expected to disrupt the last 49 amino acid(s) of the POLD1 protein. This variant is not present in population databases (gnomAD no frequency). This variant has not been reported in the literature in individuals affected with POLD1-related conditions. ClinVar contains an entry for this variant (Variation ID: 570099). In summary, the available evidence is currently insufficient to determine the role of this variant in disease. Therefore, it has been classified as a Variant of Uncertain Significance.

NM_002691.4(POLD1):c.3175C>T (p.Gln1059Ter)

Gene: POLD1 (DNA polymerase delta 1, catalytic subunit; plus strand). Cytogenetic location: 19q13.33.
Variant type: single nucleotide variant.
Coding change: c.3175C>T on transcript NM_002691.4 (MANE Select); coding-DNA position 3175, C replaced by T.
Protein change: p.Gln1059Ter; replaces glutamine 1059 with a stop codon.
Molecular consequence: nonsense. On other transcripts: non-coding transcript variant (1).
Genome position (GRCh38, 1-based): chr19:50,417,226, C>T. VCF-style: chr19-50417226-C-T. GRCh37 (hg19) VCF-style: chr19-50920483-C-T.
Other names: c.3175C>T, p.Gln1059Ter (NM_001256849.1); c.3253C>T, p.Gln1085Ter (NM_001308632.1); short protein forms Q1059*, Q1085*.
Identifiers: ClinVar variation 570099 (VCV000570099.13), dbSNP rs1568641804, ClinGen allele CA406987426.
Genomic context (GRCh38, chr19:50,417,226, plus strand): 5'-CCCCAGGTATCCCATCTGAATGCCCTGGAGGAGCGCTTCTCGCGCCTCTGGACGCAGTGC[C>T]AGCGCTGCCAGGGCAGCCTGCACGAGGACGTCATCTGCACCAGGTGTGTGCCATGTCCCG-3'